The following is an entry in ClinVar:

ClinVar aggregate classification (germline): Uncertain significance. Review status: criteria provided, multiple submitters, no conflicts (2 of 4 stars). 4 submissions from 4 submitters: Uncertain significance (3). 1 of the submissions does not count toward it. Last evaluated 2025-12-24.

Conditions:
Inborn genetic diseases. Identifiers: MedGen C0950123, MeSH D030342.
VWF-related disorder. Also called: VWF-related disorders; VWF-related condition.
von Willebrand disease type 2 (VWD2). Also called: VWD, TYPE 2; VON WILLEBRAND DISEASE, TYPE 2A/IIE; VON WILLEBRAND DISEASE, TYPE 2CB; VON WILLEBRAND DISEASE, TYPE II. Identifiers: Orphanet 166081, Orphanet 903, MedGen C1264040, MONDO:0013304, OMIM 613554.

Allele frequency attached by ClinVar (database versions not stated): ExAC 0.00002; gnomAD exomes 0.00002; gnomAD 0.00008; TOPMed 0.00008.
gnomAD v4.1: 40 of 1,613,438 alleles (0.0025%); highest among the groups gnomAD compares: Middle Eastern, 0.05%; no homozygotes.

Submissions (4):

Ambry Genetics
Classification: Uncertain significance for Inborn genetic diseases. Last evaluated: 2025-12-24. Review status: criteria provided, single submitter. Criteria: Ambry Variant Classification Scheme 2023. Collection method: clinical testing. Allele origin: germline.
Comment: The c.4705C>T (p.R1569C) alteration is located in exon 28 (coding exon 27) of the VWF gene. This alteration results from a C to T substitution at nucleotide position 4705, causing the arginine (R) at amino acid position 1569 to be replaced by a cysteine (C). Based on data from gnomAD, the T allele has an overall frequency of 0.004% (11/282170) total alleles studied. The highest observed frequency was 0.012% (3/24922) of African alleles. Based on insufficient or conflicting evidence, the clinical significance of this alteration remains unclear.

Women's Health and Genetics/Laboratory Corporation of America, LabCorp
Classification: Uncertain significance. Last evaluated: 2024-07-22. Review status: criteria provided, single submitter. Criteria: LabCorp Variant Classification Summary - May 2015. Collection method: clinical testing. Allele origin: germline.
Comment: Variant summary: VWF c.4705C>T (p.Arg1569Cys) results in a non-conservative amino acid change located in the von Willebrand factor, type A domain (IPR002035) of the encoded protein sequence. Four of five in-silico tools predict a damaging effect of the variant on protein function. The variant allele was found at a frequency of 2.4e-05 in 250818 control chromosomes (gnomAD). The available data on variant occurrences in the general population are insufficient to allow any conclusion about variant significance. c.4705C>T has been reported in the literature in individuals affected with autism and also in an individual with COL2A1-related arthrogryposis/Von Willebrand disease where a COL2A1 variant in homozygous state has also been identified (examples: AlAbdi_2023; Zhou_2022, Chen_2020). These report(s) do not provide unequivocal conclusions about association of the variant with Von Willebrand Disease. To our knowledge, no experimental evidence demonstrating an impact on protein function has been reported. The following publications have been ascertained in the context of this evaluation (PMID: 37644014, 33032641, 35982159). ClinVar contains an entry for this variant (Variation ID: 2403633). Based on the evidence outlined above, the variant was classified as uncertain significance.

Genetics and Molecular Pathology, SA Pathology
Classification: Uncertain significance for von Willebrand disease type 2. Last evaluated: 2020-11-16. Review status: criteria provided, single submitter. Criteria: ACMG Guidelines, 2015. Collection method: clinical testing. Allele origin: germline. Affected: yes.

PreventionGenetics, part of Exact Sciences
Classification: Uncertain significance for VWF-related condition. Last evaluated: 2024-01-30. Review status: no assertion criteria provided. Collection method: clinical testing. Allele origin: germline. Not counted in ClinVar's aggregate classification.
Comment: The VWF c.4705C>T variant is predicted to result in the amino acid substitution p.Arg1569Cys. This variant was reported in an individual with autism; however no additional studies were done to assess its pathogenicity (Zhou et al. 2022. PubMed ID: 35982159. Supplementary data1). This variant is reported in 0.012% of alleles in individuals of African descent in gnomAD. At this time, the clinical significance of this variant is uncertain due to the absence of conclusive functional and genetic evidence.

Literature cited by the submitters: PubMed 35982159 (cited by Women's Health and Genetics/Laboratory Corporation of America, LabCorp); PubMed 37644014 (cited by Women's Health and Genetics/Laboratory Corporation of America, LabCorp); PubMed 33032641 (cited by Women's Health and Genetics/Laboratory Corporation of America, LabCorp).

NM_000552.5(VWF):c.4705C>T (p.Arg1569Cys)

Gene: VWF (von Willebrand factor; minus strand). Cytogenetic location: 12p13.31.
Variant type: single nucleotide variant.
Coding change: c.4705C>T on transcript NM_000552.5 (MANE Select); coding-DNA position 4705, C replaced by T.
Protein change: p.Arg1569Cys; replaces arginine 1569 with cysteine.
Molecular consequence: missense variant.
Genome position (GRCh38, 1-based): chr12:6,018,713, G>A on the plus strand (C>T on the coding strand, the complement: VWF is on the minus strand). VCF-style: chr12-6018713-G-A. GRCh37 (hg19) VCF-style: chr12-6127879-G-A.
Other names: c.4705C>T (NM_000552.4); short protein forms R1569C.
Identifiers: ClinVar variation 2403633 (VCV002403633.8), dbSNP rs61909722, ClinGen allele CA6402473.
Genomic context (GRCh38, chr12:6,018,713, plus strand): 5'-TGTGGTCAGAGAGGTACCGCAGGGCCAGCCCAGTGTTGGTCCTGTTGCCGCCCTGGTAGC[G>A]GATCTCTCGCACCCGCTGCAGGATGTCCCCTTTGGACTGTGCCTCGCTGAAGGGGTACTC-3'
Protein context (NP_000543.3, residues 1559-1579): GDILQRVREI[Arg1569Cys]YQGGNRTNTG